The following is an entry in ClinVar:

ClinVar aggregate classification (germline): Uncertain significance (1 of 4 stars; one submission).

Conditions:
ATM-related cancer predisposition. Also called: ATM-related cancer susceptibility. Identifiers: MedGen CN377759, MONDO:0700270.

Submission:

Dasa
Classification: Uncertain significance for ATM-related cancer predisposition. Last evaluated: 2026-05-20. Review status: criteria provided, single submitter. Criteria: DASA Assertion Criteria. Collection method: clinical testing. Allele origin: germline.
Comment: NM_000051.4(ATM):c.6865T>G (p.Ser2289Ala) is a missense variant that results in the substitution of serine with alanine. This variant is rare in population databases. The currently available literature and clinical evidence are not sufficient to establish a definitive association between this variant and the reported condition. Therefore, this variant is classified as a variant of uncertain significance.

NM_000051.4(ATM):c.6865T>G (p.Ser2289Ala)

Genes: ATM (ATM serine/threonine kinase; plus strand), C11orf65 (chromosome 11 open reading frame 65; minus strand). Cytogenetic location: 11q22.3.
Variant type: single nucleotide variant.
Coding change: c.6865T>G on transcript NM_000051.4 (MANE Select); coding-DNA position 6865, T replaced by G.
Protein change: p.Ser2289Ala; replaces serine 2289 with alanine.
Molecular consequence: missense variant. On other transcripts: intron variant (2).
Genome position (GRCh38, 1-based): chr11:108,326,115, T>G. VCF-style: chr11-108326115-T-G. GRCh37 (hg19) VCF-style: chr11-108196842-T-G.
Other names: c.6865T>G, p.Ser2289Ala (NM_001351834.2); c.641-17044A>C (NM_001330368.2); c.*38+9105A>C (NM_001351110.2); short protein forms S2289A.
Identifiers: ClinVar variation 5020529 (VCV005020529.1).
Genomic context (GRCh38, chr11:108,326,115, plus strand): 5'-CAGCTCCCTGAAAGGGCAATATTTCAAATTAAACAGTACAATTCAGTTAGCTGTGGAGTC[T>G]CTGAGTGGCAGCTGGAAGAAGCACAAGTATTCTGGGCAAAAAAGGAGCAGAGTCTTGCCC-3'
Protein context (NP_000042.3, residues 2279-2299): KQYNSVSCGV[Ser2289Ala]EWQLEEAQVF